The following is an entry in ClinVar:

ClinVar aggregate classification (germline): Benign/Likely benign. Review status: criteria provided, multiple submitters, no conflicts (2 of 4 stars). 3 submissions from 3 submitters: Benign (2); Likely benign (1). Last evaluated 2026-01-27.

Conditions:
Adams-Oliver syndrome 4 (AOS4). Identifiers: Orphanet 974, MedGen C3809092, MONDO:0014124, OMIM 615297.

Allele frequency attached by ClinVar (database versions not stated): gnomAD 0.00038 and 0.00107; ESP Exome Variant Server 0.00054; TOPMed 0.00054; gnomAD exomes 0.00330; ExAC 0.00332; 1000 Genomes Project 0.00459; 1000 Genomes Project 30x 0.00468.
gnomAD v4.1: 2,521 of 1,614,054 alleles (0.16%); highest among the groups gnomAD compares: South Asian, 2%; 47 homozygotes.

Submissions (3):

Labcorp Genetics (formerly Invitae), Labcorp
Classification: Benign for Adams-Oliver syndrome 4. Last evaluated: 2026-01-27. Review status: criteria provided, single submitter. Criteria: Invitae Variant Classification Sherloc (09022015). Collection method: clinical testing. Allele origin: germline.

GeneDx
Classification: Likely benign. Last evaluated: 2023-10-10. Review status: criteria provided, single submitter. Criteria: GeneDx Variant Classification Process June 2021. Collection method: clinical testing. Allele origin: germline. Affected: yes.
Comment: See Variant Classification Assertion Criteria.

Breakthrough Genomics
Classification: Benign. Review status: criteria provided, single submitter. Criteria: ACMG Guidelines, 2015. Collection method: not provided. Allele origin: germline. Inheritance: Autosomal recessive inheritance. Affected: yes.

NM_001278689.2(EOGT):c.71C>G (p.Pro24Arg)

Gene: EOGT (EGF domain specific O-linked N-acetylglucosamine transferase; minus strand). Cytogenetic location: 3p14.1.
Variant type: single nucleotide variant.
Coding change: c.71C>G on transcript NM_001278689.2 (MANE Select); coding-DNA position 71, C replaced by G.
Protein change: p.Pro24Arg; replaces proline 24 with arginine.
Molecular consequence: missense variant. On other transcripts: non-coding transcript variant (1).
Genome position (GRCh38, 1-based): chr3:69,009,776, G>C on the plus strand (C>G on the coding strand, the complement: EOGT is on the minus strand). VCF-style: chr3-69009776-G-C. GRCh37 (hg19) VCF-style: chr3-69058927-G-C.
Other names: c.71C>G, p.Pro24Arg (NM_173654.3); short protein forms P24R.
Identifiers: ClinVar variation 784681 (VCV000784681.10), dbSNP rs140016031, ClinGen allele CA2487052.